The following is an entry in ClinVar:

ClinVar aggregate classification (germline): Pathogenic/Likely pathogenic. Review status: criteria provided, multiple submitters, no conflicts (2 of 4 stars). 7 submissions from 7 submitters: Pathogenic (4); Likely pathogenic (2). 1 of the submissions does not count toward it. Last evaluated 2025-08-29.

Conditions:
Vascular malformation. Also called: Vascular malformations. Identifiers: MedGen C0158570, MONDO:0024291.
TEK-related disorder. Also called: TEK-related condition.
Multiple cutaneous and mucosal venous malformations (VMCM). Also called: TEK-Related Multiple Cutaneous and Mucosal Venous Malformations (VMCM). Identifiers: Orphanet 2451, MedGen C1838437, MONDO:0010842, OMIM 600195.
Abnormal cardiovascular system morphology. Also called: Abnormality of cardiovascular system morphology. Identifiers: MedGen C4049796, HP:0030680.

Submissions (7):

Institute of Human Genetics, Heidelberg University
Classification: Likely pathogenic for Multiple cutaneous and mucosal venous malformations. Last evaluated: 2025-08-29. Review status: criteria provided, single submitter. Criteria: ACMG Guidelines, 2015. Collection method: clinical testing. Allele origin: unknown. Affected: yes. Observed: 1 variant allele.
Comment: PM2_supp, PM5, PP3_mod, PM1

GeneDx
Classification: Pathogenic. Last evaluated: 2025-07-09. Review status: criteria provided, single submitter. Criteria: GeneDx Variant Classification Process June 2021. Collection method: clinical testing. Allele origin: germline. Affected: yes.
Comment: Not observed at significant frequency in large population cohorts (gnomAD); In silico analysis supports that this missense variant has a deleterious effect on protein structure/function; This variant is associated with the following publications: (PMID: 19079259, 27519652, 35181412, 34166070, 33470620, 32754818, 34698142, 34209679, 35982159, 33057194, 39669237, 36171295, 26115772)

Clinical Genomics Laboratory, Washington University in St. Louis
Classification: Pathogenic for Vascular malformation. Last evaluated: 2024-06-27. Review status: criteria provided, single submitter. Criteria: Leon-Quintero et al. (Clin Genet. 2025). Collection method: clinical testing. Allele origin: somatic. Affected: yes.
Comment: A TEK c.2743C>T (p.Arg915Cys) variant was identified at an allelic fraction consistent with somatic origin. This variant has been reported in multiple individuals with vascular malformations (Soblet J et al., PMID: 27519652; Nozawa A et al., PMID: 36171295; McNulty SN et al., PMID: 31585106; Li D et al., PMID: 37264205) and has been reported in two cases in the cancer database COSMIC (Genomic Mutation ID: COSV66229101). This variant has been reported in the ClinVar database as pathogenic/likely pathogenic in both a somatic and a germline state (ClinVar ID: 981227). The TEK c.2743C>T (p.Arg915Cys) variant is absent from the general population (gnomAD v4.1.0), indicating it is not a common variant. This variant resides within the kinase domain of TIE2, an endothelium-specific receptor tyrosine kinase, that is a critical functional domain (Shewchuk LM et al., PMID: 11080633). Another variant in the same codon, c.2744G>A (p.Arg915His), has been reported and is considered pathogenic (ClinVar ID: 30054). Computational predictors indicate that the variant is damaging, evidence that may correlate with impact to TEK function. In support of this prediction, in vitro functional studies show that this variant induces phosphorylation of TIE2 and the downstream AKT resulting in enhanced colony formation capacities of the cells (Soblet J et al., PMID: 27519652; Natynki M et al., PMID: 26319232).Based on available information and an internally developed protocol informed by the ACMG/AMP guidelines for variant interpretation and gene-specific practices from the ClinGen Criteria Specification Registry (Leon-Quintero FZ et al., PMID: 39434542), the TEK c.2743C>T (p.Arg915Cys) variant is classified as pathogenic.

Revvity Omics, Revvity
Classification: Likely pathogenic. Last evaluated: 2023-03-31. Review status: criteria provided, single submitter. Criteria: ACMG Guidelines, 2015. Collection method: clinical testing. Allele origin: germline.

Blueprint Genetics
Classification: Pathogenic for TEK-related disorders. Last evaluated: 2021-07-27. Review status: criteria provided, single submitter. Criteria: ACMG Guidelines, 2015. Collection method: clinical testing. Allele origin: germline. Affected: yes. Observed: 1 variant allele.

Seattle Children's Hospital Molecular Genetics Laboratory, Seattle Children's Hospital
Classification: Pathogenic. Last evaluated: 2021-06-08. Review status: criteria provided, single submitter. Criteria: ACMG Guidelines, 2015. Collection method: clinical testing. Allele origin: somatic. Affected: yes. Observed: 3 variant alleles. Clinical features observed: Neoplasm (HP:0002664), Venous malformation (HP:0012721), Anemia (HP:0001903), Vascular skin abnormality (HP:0011276).
Comment: The p.Arg915Cys substitution was described in blue rubber bleb nevus syndrome and sporadically occurring venous malformations (PMID: 27519652, PMID: 19079259, PMID: 21962923, PMID: 23801934, NBK1967).

MAGI's Lab - Research, MAGI Group
Classification: Pathogenic for Abnormal cardiovascular system morphology. Review status: no assertion criteria provided. Collection method: provider interpretation. Allele origin: somatic. Affected: yes. Not counted in ClinVar's aggregate classification.

NM_000459.5(TEK):c.2743C>T (p.Arg915Cys)

Gene: TEK (TEK receptor tyrosine kinase; plus strand). Cytogenetic location: 9p21.2.
Variant type: single nucleotide variant.
Coding change: c.2743C>T on transcript NM_000459.5 (MANE Select); coding-DNA position 2743, C replaced by T.
Protein change: p.Arg915Cys; replaces arginine 915 with cysteine.
Molecular consequence: missense variant.
Genome position (GRCh38, 1-based): chr9:27,212,763, C>T. VCF-style: chr9-27212763-C-T. GRCh37 (hg19) VCF-style: chr9-27212761-C-T.
Other names: c.2614C>T, p.Arg872Cys (NM_001290077.2); c.2299C>T, p.Arg767Cys (NM_001290078.2); c.2740C>T, p.Arg914Cys (NM_001375475.1); c.2611C>T, p.Arg871Cys (NM_001375476.1); short protein forms R767C, R871C, R872C, R914C, R915C.
Identifiers: ClinVar variation 981227 (VCV000981227.10), dbSNP rs1825682922, ClinGen allele CA373122973.
Genomic context (GRCh38, chr9:27,212,763, plus strand): 5'-CCAGGCTACTTGTACCTGGCCATTGAGTACGCGCCCCATGGAAACCTTCTGGACTTCCTT[C>T]GCAAGAGCCGTGTGCTGGAGACGGACCCAGCATTTGCCATTGCCAATAGCACCGCGTCCA-3'
Protein context (NP_000450.3, residues 905-925): APHGNLLDFL[Arg915Cys]KSRVLETDPA